The following is an entry in ClinVar:

ClinVar aggregate classification (germline): Uncertain significance (1 of 4 stars; one submission).

Submission:

Dasa
Classification: Uncertain significance. Last evaluated: 2026-03-05. Review status: criteria provided, single submitter. Criteria: DASA Assertion Criteria. Collection method: clinical testing. Allele origin: germline.
Comment: NM_024741.3(ZNF408):c.1420G>C (p.Gly474Arg) is a missense variant that results in the substitution of glycine with arginine. This variant is absent from population databases. The currently available literature and clinical evidence are not sufficient to establish a definitive association between this variant and the reported condition. Therefore, this variant is classified as a variant of uncertain significance.

NM_024741.3(ZNF408):c.1420G>C (p.Gly474Arg)

Gene: ZNF408 (zinc finger protein 408; plus strand). Cytogenetic location: 11p11.2.
Variant type: single nucleotide variant.
Coding change: c.1420G>C on transcript NM_024741.3 (MANE Select); coding-DNA position 1420, G replaced by C.
Protein change: p.Gly474Arg; replaces glycine 474 with arginine.
Molecular consequence: missense variant.
Genome position (GRCh38, 1-based): chr11:46,705,120, G>C. VCF-style: chr11-46705120-G-C. GRCh37 (hg19) VCF-style: chr11-46726670-G-C.
Other names: c.1396G>C, p.Gly466Arg (NM_001184751.2); short protein forms G466R, G474R.
Identifiers: ClinVar variation 4882699 (VCV004882699.2).
Genomic context (GRCh38, chr11:46,705,120, plus strand): 5'-CTGCATCGCAAGACCCACCAGGTGCCAGCTGCCCCTGCCCCTTGCCCATGCCCTGTGTGT[G>C]GGCGGCCCCTGGCCAACCAGGGCTCCCTGCGGAACCATATGAGGCTCCATACAGGAGAAA-3'
Protein context (NP_079017.1, residues 464-484): APAPCPCPVC[Gly474Arg]RPLANQGSLR